The following is an entry in ClinVar:

NM_001034853.2(RPGR):c.2128C>T (p.Gln710Ter)

Gene: RPGR (retinitis pigmentosa GTPase regulator; minus strand). Cytogenetic location: Xp11.4.
Variant type: single nucleotide variant.
Coding change: c.2128C>T on transcript NM_001034853.2 (MANE Select); coding-DNA position 2128, C replaced by T.
Protein change: p.Gln710Ter; replaces glutamine 710 with a stop codon.
Molecular consequence: nonsense. On other transcripts: intron variant (8).
Genome position (GRCh38, 1-based): chrX:38,286,871, G>A on the plus strand (C>T on the coding strand, the complement: RPGR is on the minus strand). VCF-style: chrX-38286871-G-A. GRCh37 (hg19) VCF-style: chrX-38146124-G-A.
Other names: NM_001034853.2:c.2128C>T; c.1569+4088C>T (NM_001367249.1, NM_001367250.1); c.1902+223C>T (NM_001367245.1); c.1386+4088C>T (NM_001367251.1); c.1719+223C>T (NM_001367246.1); c.1572+4088C>T (NM_001367247.1); c.1905+223C>T (NM_000328.3); c.1602+4088C>T (NM_001367248.1); short protein forms Q710*.
Identifiers: ClinVar variation 3724336 (VCV003724336.3).

ClinVar aggregate classification (germline): Pathogenic. Review status: reviewed by expert panel (3 of 4 stars). 2 submissions from 2 submitters: Pathogenic (1). 1 of the submissions does not count toward it. Last evaluated 2026-11-20.

Conditions:
Primary ciliary dyskinesia. Also called: Ciliary dyskinesia. Identifiers: Orphanet 244, MedGen C0008780, MONDO:0016575, HP:0012265.
RPGR-related retinopathy. Also called: RPGR retinopathy. Identifiers: MedGen CN305589, MONDO:0100437.

Submissions (2):

ClinGen X-linked Inherited Retinal Disease Variant Curation Expert Panel, ClinGen
Classification: Pathogenic for RPGR-related retinopathy. Last evaluated: 2026-11-20. Review status: reviewed by expert panel. Criteria: ClinGen X LinkedIRD ACMG Specifications RPGR V1.0.0. Collection method: curation. Allele origin: germline. Inheritance: X-linked inheritance.
Comment: The NM_001034853.2(RPGR):c.2128C>T variant is a nonsense variant in amino acid 710, which results in a premature stop codon and causes a truncated protein. This variant is absent from hemizygous individuals in gnomAD v4.1.2 (PM2_Supporting). This is a nonsense variant that introduces a premature stop codon between amino acids 1-1132 that is predicted to either trigger nonsense-mediated decay or to disrupt a critical C-terminal region required for proper glutamylation of RPGR (PVS1, PMID: 36445968). The variant has been reported to segregate with retinal dystrophy through at least 2 affected meioses from 1 family (PP1; DOI: 10.4236/crcm.2022.1110059). At least one proband harboring this variant exhibits a phenotype including Reduced visual acuity (0.5 pts), myopia (0.5 pts), Photophobia (0.5 pts), decreased peripheral visual field (0.5 pts), optic disc pallor (0.5 pts), retinal atrophy, childhood-onset (1 pt), Female present milder phenotype (1 pt), X-linked inheritance (2 pts), and NGS (2 pts), which together are highly specific for RPGR-related recessive retinopathy (8.5 points, PP4_Moderate, DOI: 10.4236/crcm.2022.1110059). In summary, this variant is classified as Pathogenic for RPGR-related retinopathy based on the ClinGen X-linked Inherited Retinal Disease Expert Panel Specifications to the ACMG/AMP Variant Interpretation Guidelines for RPGR, Version 1.0.0, using the following evidence codes: PVS1, PM2_Supporting, PP1, and PP4_moderate.

Labcorp Genetics (formerly Invitae), Labcorp
Classification: Pathogenic for Primary ciliary dyskinesia. Last evaluated: 2024-12-12. Review status: criteria provided, single submitter. Criteria: Invitae Variant Classification Sherloc (09022015). Collection method: clinical testing. Allele origin: germline. Not counted in ClinVar's aggregate classification.
Comment: This sequence change creates a premature translational stop signal (p.Gln710*) in the RPGR (ORF15) gene. While this is not anticipated to result in nonsense mediated decay, it is expected to disrupt the last 443 amino acid(s) of the RPGR (ORF15) protein. This variant is not present in population databases (gnomAD no frequency). This premature translational stop signal has been observed in individual(s) with retinitis pigmentosa (PMID: 36464167). This variant disrupts a region of the RPGR (ORF15) protein in which other variant(s) (c.3388_3389del (p.Leu1130Lysfs*13)) have been determined to be pathogenic (PMID: 22264887). This suggests that this is a clinically significant region of the protein, and that variants that disrupt it are likely to be disease-causing. For these reasons, this variant has been classified as Pathogenic.

Literature cited by the submitters: PubMed 36464167 (cited by Labcorp Genetics (formerly Invitae), Labcorp); PubMed 22264887 (cited by Labcorp Genetics (formerly Invitae), Labcorp).